The following is an entry in ClinVar:

ClinVar aggregate classification (germline): Uncertain significance (1 of 4 stars; one submission).

Submission:

Labcorp Genetics (formerly Invitae), Labcorp
Classification: Uncertain significance. Last evaluated: 2023-10-29. Review status: criteria provided, single submitter. Criteria: Invitae Variant Classification Sherloc (09022015). Collection method: clinical testing. Allele origin: germline.
Comment: This variant, c.995_997del, results in the deletion of 1 amino acid(s) of the CUL3 protein (p.Glu332del), but otherwise preserves the integrity of the reading frame. This variant is present in population databases (no rsID available, gnomAD 0.006%). This variant has not been reported in the literature in individuals affected with CUL3-related conditions. Experimental studies and prediction algorithms are not available or were not evaluated, and the functional significance of this variant is currently unknown. In summary, the available evidence is currently insufficient to determine the role of this variant in disease. Therefore, it has been classified as a Variant of Uncertain Significance.

NM_003590.5(CUL3):c.992AAG[1] (p.Glu332del)

Gene: CUL3 (cullin 3; minus strand). Cytogenetic location: 2q36.2.
Variant type: Microsatellite.
Coding change: c.992AAG[1] on transcript NM_003590.5 (MANE Select); one copy of the 3-base unit AAG starting at c.992; the reference has two copies in a row; one copy, 3 bases deleted.
Protein change: p.Glu332del; deletes glutamic acid 332.
Molecular consequence: inframe deletion.
Genome position (GRCh38, 1-based): chr2:224,506,890-224,506,892, CTT deleted on the plus strand (AAG on the coding strand, the reverse complement: CUL3 is on the minus strand); deleting any 3 consecutive bases within chr2:224,506,890-224,506,896 gives the same sequence; the position shown is the placement nearest the transcript's 3' end. VCF-style (leftmost placement, unchanged base first): chr2-224506889-CCTT-C. GRCh37 (hg19) VCF-style: chr2-225371606-CCTT-C.
Other names: c.794AAG[1], p.Glu266del (NM_001257197.2); c.1010AAG[1], p.Glu338del (NM_001257198.2); short protein forms E332del, E266del, E338del.
Identifiers: ClinVar variation 3006720 (VCV003006720.3), dbSNP rs1472792526, ClinGen allele CA539863802.